The following is an entry in ClinVar:

ClinVar aggregate classification (germline): Pathogenic (0 of 4 stars; one submission).

Conditions:
Fanconi anemia complementation group A (FANCA). Also called: Fanconi anemia, group A; FANCA-Related Fanconi Anemia. Identifiers: Orphanet 84, MedGen C3469521, MONDO:0009215, OMIM 227650.

Submission:

Leiden Open Variation Database
Classification: Pathogenic for Fanconi anemia complementation group A. Last evaluated: 2020-02-28. Review status: no assertion criteria provided. Collection method: curation. Allele origin: germline. Affected: yes.
Comment: Curator: Arleen D. Auerbach. Submitter to LOVD: Arleen D. Auerbach.

Literature cited by the submitters: PubMed 25168418.

NC_000016.10:g.88297595_88319393del

Variant type: Deletion.
Identifiers: ClinVar variation 974046 (VCV000974046.1).